The following continues an entry in ClinVar:

NM_058216.3(RAD51C):c.492T>G (p.Phe164Leu)

Gene: RAD51C. ClinVar aggregate classification (germline): Conflicting classifications of pathogenicity. Uncertain significance (15); Likely benign (2).

Submissions 9 to 19 of 19:

Ambry Genetics
Classification: Uncertain significance for Hereditary cancer-predisposing syndrome. Last evaluated: 2024-07-24. Review status: criteria provided, single submitter. Criteria: Ambry Variant Classification Scheme 2023. Collection method: clinical testing. Allele origin: germline.
Comment: The p.F164L variant (also known as c.492T>G), located in coding exon 3 of the RAD51C gene, results from a T to G substitution at nucleotide position 492. The phenylalanine at codon 164 is replaced by leucine, an amino acid with highly similar properties. This variant was identified in a cohort of 85 patients undergoing HBOC testing in Colombia (Cock-Rada AM et al. Fam. Cancer, 2018 01;17:23-30). This variant was also identified in an individual diagnosed with breast cancer (Weitzel JN et al. Cancer, 2019 08;125:2829-2836). This variant was reported in 2/60,466 breast cancer cases and in 3/53,461 controls (Dorling et al. N Engl J Med 2021 02;384:428-439). This amino acid position is highly conserved in available vertebrate species. In addition, the in silico prediction for this alteration is inconclusive. Since supporting evidence is limited at this time, the clinical significance of this alteration remains unclear.

Quest Diagnostics Nichols Institute San Juan Capistrano
Classification: Uncertain significance. Last evaluated: 2024-06-21. Review status: criteria provided, single submitter. Criteria: Quest Diagnostics criteria. Collection method: clinical testing. Allele origin: unknown.
Comment: The RAD51C c.492T>G (p.Phe164Leu) variant has been reported in the published literature in individuals with breast cancer (PMID: 28528518 (2017), 31206626 (2019), 35534704 (2022)) and colorectal cancer (PMID: 30256826 (2018)). In a large-scale breast cancer association study, this variant was observed in individuals with breast cancer as well as in reportedly healthy individuals (PMID: 33471991 (2021), see also LOVD). The frequency of this variant in the general population, 0.00026 (9/34592 chromosomes (Genome Aggregation Database)), is uninformative in the assessment of its pathogenicity. Analysis of this variant using bioinformatics tools for the prediction of the effect of amino acid changes on protein structure and function yielded predictions that this variant is damaging. Based on the available information, we are unable to determine the clinical significance of this variant.

Fulgent Genetics
Classification: Uncertain significance for Fanconi anemia complementation group O; Breast-ovarian cancer, familial, susceptibility to, 3. Last evaluated: 2024-03-20. Review status: criteria provided, single submitter. Criteria: ACMG Guidelines, 2015. Collection method: clinical testing. Allele origin: germline.

Baylor Genetics
Classification: Uncertain significance for Breast-ovarian cancer, familial, susceptibility to, 3. Last evaluated: 2024-02-27. Review status: criteria provided, single submitter. Criteria: ACMG Guidelines, 2015. Collection method: clinical testing. Allele origin: unknown.

GeneDx
Classification: Uncertain significance. Last evaluated: 2024-02-02. Review status: criteria provided, single submitter. Criteria: GeneDx Variant Classification Process June 2021. Collection method: clinical testing. Allele origin: germline. Affected: yes.
Comment: Observed in individuals meeting clinical criteria for Lynch syndrome or hereditary breast and ovarian cancer syndrome, as well as in both cases and controls in breast cancer studies (PMID: 28528518, 33471991, 30256826, 31921681, 31206626, 35534704, 37842866); In silico analysis supports that this missense variant has a deleterious effect on protein structure/function; This variant is associated with the following publications: (PMID: 30256826, 28528518, 31921681, 31206626, 14704354, 35534704, 33471991, 37842866, Vzquez2021)

Myriad Genetics, Inc.
Classification: Likely benign for Breast-ovarian cancer, familial, susceptibility to, 3. Last evaluated: 2023-04-05. Review status: criteria provided, single submitter. Criteria: Myriad Autosomal Dominant, Autosomal Recessive and X-Linked Classification Criteria (2023). Collection method: clinical testing. Allele origin: unknown.
Comment: This variant is considered likely benign. This variant is strongly associated with less severe personal and family histories of cancer, typical for individuals without pathogenic variants in this gene [PMID: 25085752].

Department of Pathology and Laboratory Medicine, Sinai Health System
Classification: Uncertain significance for Breast-ovarian cancer, familial, susceptibility to, 3. Last evaluated: 2023-03-30. Review status: criteria provided, single submitter. Criteria: ACMG Guidelines, 2015. Collection method: clinical testing. Allele origin: germline. Affected: yes.

Sema4
Classification: Uncertain significance for Hereditary cancer-predisposing syndrome. Last evaluated: 2021-10-19. Review status: criteria provided, single submitter. Criteria: Sema4 Curation Guidelines. Collection method: curation. Allele origin: germline.
Comment: The RAD51C c.492T>G (p.F164L) variant has been reported in several individuals with breast and/or ovarian cancer, as well as in an individual with suspected Lynch syndrome (PMID: 33471991, 28528518, 30256826). One of these individuals also carried a pathogenic BRCA1 variant, providing supporting evidence for a benign role (PMID: 28528518). This variant has also been reported in healthy controls (PMID: 33471991). It was observed in 9/34592 chromosomes of the Latino subpopulation in the large and broad cohorts of the Genome Aggregation Database (PMID: 32461654). The variant has been reported in ClinVar (Variation ID: 188317). Functional studies have not been performed, and in silico predictions of the variant's effect on protein function are inconclusive. The evidence is insufficient to meet ACMG/AMP criteria for classifying the variant as benign or pathogenic. Thus, the clinical significance of this variant is currently uncertain.

Baylor Genetics
Classification: Uncertain significance for Fanconi anemia complementation group O. Last evaluated: 2020-06-22. Review status: criteria provided, single submitter. Criteria: ACMG Guidelines, 2015. Collection method: clinical testing. Allele origin: unknown. Affected: yes. Study: CSER-TexasKidsCanSeq.
Comment: This variant was determined to be of uncertain significance according to ACMG Guidelines, 2015 [PMID:25741868].

Counsyl
Classification: Uncertain significance for Fanconi anemia complementation group O. Last evaluated: 2016-11-02. Review status: no assertion criteria provided. Collection method: clinical testing. Allele origin: unknown. Not counted in ClinVar's aggregate classification.

Counsyl
Classification: Uncertain significance for Breast-ovarian cancer, familial, susceptibility to, 3. Last evaluated: 2016-11-02. Review status: no assertion criteria provided. Collection method: clinical testing. Allele origin: unknown. Not counted in ClinVar's aggregate classification.

Literature cited by the submitters: PubMed 28528518 (cited by 6 submitters); PubMed 35534704 (cited by 3 submitters); PubMed 30256826 (cited by 3 submitters); PubMed 31206626 (cited by 3 submitters); PubMed 31658756 (cited by Women's Health and Genetics/Laboratory Corporation of America, LabCorp); PubMed 31921681 (cited by Women's Health and Genetics/Laboratory Corporation of America, LabCorp); PubMed 33471991 (cited by 5 submitters); PubMed 34923718 (cited by Women's Health and Genetics/Laboratory Corporation of America, LabCorp); PubMed 37842866 (cited by Women's Health and Genetics/Laboratory Corporation of America, LabCorp); PubMed 37450374 (cited by Women's Health and Genetics/Laboratory Corporation of America, LabCorp); PubMed 40209283 (cited by Women's Health and Genetics/Laboratory Corporation of America, LabCorp); PubMed 39299233 (cited by Women's Health and Genetics/Laboratory Corporation of America, LabCorp); PubMed 25085752 (cited by Myriad Genetics, Inc.).